The following is an entry in ClinVar:

NM_016103.4(SAR1B):c.337GAA[1] (p.Glu114del)

Gene: SAR1B (secretion associated Ras related GTPase 1B; minus strand). Cytogenetic location: 5q31.1.
Variant type: Microsatellite.
Coding change: c.337GAA[1] on transcript NM_016103.4 (MANE Select); one copy of the 3-base unit GAA starting at c.337; the reference has two copies in a row; one copy, 3 bases deleted.
Protein change: p.Glu114del; deletes glutamic acid 114.
Genome position (GRCh38, 1-based): chr5:134,609,577-134,609,579, TTC deleted on the plus strand (GAA on the coding strand, the reverse complement: SAR1B is on the minus strand); deleting any 3 consecutive bases within chr5:134,609,577-134,609,584 gives the same sequence; the position shown is the placement nearest the transcript's 3' end. VCF-style (leftmost placement, unchanged base first): chr5-134609576-GTTC-G. GRCh37 (hg19) VCF-style: chr5-133945266-GTTC-G.
Other names: c.337GAA[1], p.Glu114del (NM_001033503.3); short protein forms E114del.
Identifiers: ClinVar variation 4775972 (VCV004775972.1).
Genomic context (GRCh38, chr5:134,609,576, plus strand): 5'-TCTGCAGGCTTACCAGAGTGATTTGACTATATTTAGTTTCAGTTATTTAACTTACATCAA[GTTC>G]TTCTTTTGACTCTAACAGCCTTTCGTGGTCTGCACAATCCACCAGAAATACAATGCCATT-3'

ClinVar aggregate classification (germline): Uncertain significance (1 of 4 stars; one submission).

Submission:

Labcorp Genetics (formerly Invitae), Labcorp
Classification: Uncertain significance. Last evaluated: 2025-10-07. Review status: criteria provided, single submitter. Criteria: Invitae Variant Classification Sherloc (09022015). Collection method: clinical testing. Allele origin: germline.
Comment: This variant, c.340_342del, results in the deletion of 1 amino acid(s) of the SAR1B protein (p.Glu114del), but otherwise preserves the integrity of the reading frame. This variant is not present in population databases (gnomAD no frequency). This variant has been observed in individual(s) with clinical features of chylomicron retention disease (PMID: 33111339, 34629076). In summary, the available evidence is currently insufficient to determine the role of this variant in disease. Therefore, it has been classified as a Variant of Uncertain Significance.

Literature cited by the submitters: PubMed 33111339; PubMed 34629076.